The following is an entry in ClinVar:

ClinVar aggregate classification (germline): Conflicting classifications of pathogenicity. Review status: criteria provided, conflicting classifications (1 of 4 stars). 5 submissions from 5 submitters: Uncertain significance (2); Benign (2). 1 of the submissions does not count toward it. Last evaluated 2026-09-01.

Conditions:
OPA1-related disorder. Also called: OPA1-related condition; OPA1-related disorders.

Allele frequency attached by ClinVar (database versions not stated): gnomAD exomes 0.00002 and 0.00009; gnomAD 0.00004 and 0.00007; ExAC 0.00008; TOPMed 0.00009; 1000 Genomes Project 0.00040; 1000 Genomes Project 30x 0.00094.
gnomAD v4.1: 51 of 1,613,562 alleles (0.0032%); highest among the groups gnomAD compares: East Asian, 0.047%; no homozygotes.

Submissions (5):

GeneDx
Classification: Uncertain significance. Last evaluated: 2026-09-01. Review status: criteria provided, single submitter. Criteria: GeneDx Variant Classification Process June 2021. Collection method: clinical testing. Allele origin: germline.
Comment: In silico analysis suggests that this missense variant does not alter protein structure/function; This variant is associated with the following publications: (PMID: 26867657, 33884488, 31106028, 36246636)

Women's Health and Genetics/Laboratory Corporation of America, LabCorp
Classification: Uncertain significance. Last evaluated: 2026-06-05. Review status: criteria provided, single submitter. Criteria: LabCorp Variant Classification Summary - May 2015. Collection method: clinical testing. Allele origin: germline.
Comment: Variant summary: OPA1 c.565G>A (p.Glu189Lys) results in a conservative amino acid change in the encoded protein sequence. Algorithms developed to predict the effect of missense changes on protein structure and function all suggest that this variant is likely to be tolerated. The variant allele was found at a frequency of 9.1e-05 in 251392 control chromosomes, predominantly at a frequency of 0.00092 within the East Asian subpopulation in the gnomAD database. This frequency is not significantly higher than estimated for disease-causing variants in OPA1, allowing no conclusion about variant significance. c.565G>A has been observed in heterozygous individuals affected with OPA1-related conditions (e.g. Wang_2019, Xu_2021). These reports do not provide unequivocal conclusions about the association of the variant with disease. To our knowledge, no experimental evidence demonstrating an impact on protein function has been reported. The following publications have been ascertained in the context of this evaluation (PMID: 31106028, 33884488). ClinVar contains an entry for this variant (Variation ID: 214890). Based on the evidence outlined above, the variant was classified as uncertain significance.

Labcorp Genetics (formerly Invitae), Labcorp
Classification: Benign. Last evaluated: 2026-01-19. Review status: criteria provided, single submitter. Criteria: Invitae Variant Classification Sherloc (09022015). Collection method: clinical testing. Allele origin: germline.

Blueprint Genetics
Classification: Benign. Last evaluated: 2024-10-11. Review status: criteria provided, single submitter. Criteria: ACMG Guidelines, 2015. Collection method: clinical testing. Allele origin: germline.

PreventionGenetics, part of Exact Sciences
Classification: Uncertain significance for OPA1-related condition. Last evaluated: 2024-09-25. Review status: no assertion criteria provided. Collection method: clinical testing. Allele origin: germline. Not counted in ClinVar's aggregate classification.
Comment: The OPA1 c.619G>A variant is predicted to result in the amino acid substitution p.Glu207Lys. This variant has been reported in two patients with optic atrophy (Table S2, Wang et al. 2019. PubMed ID: 31106028; Xu et al. 2021. PubMed ID: 33884488) and in a patient with amblyopia along with a potentially causative variant in the LRP5 gene (described as p.Glu189Lys, Chen et al. 2022. PubMed ID: 36246636). This variant is reported in 0.092% of alleles in individuals of East Asian descent in gnomAD. Although we suspect this variant may be benign, at this time, the clinical significance of this variant is uncertain due to the absence of conclusive functional and genetic evidence.

Literature cited by the submitters: PubMed 31106028 (cited by Women's Health and Genetics/Laboratory Corporation of America, LabCorp); PubMed 33884488 (cited by Women's Health and Genetics/Laboratory Corporation of America, LabCorp).

NM_130837.3(OPA1):c.619G>A (p.Glu207Lys)

Genes: OPA1 (OPA1 mitochondrial dynamin like GTPase; plus strand), OPA1-AS1 (OPA1 antisense RNA 1; minus strand). Cytogenetic location: 3q29.
Variant type: single nucleotide variant.
Coding change: c.619G>A on transcript NM_130837.3 (MANE Select); coding-DNA position 619, G replaced by A.
Protein change: p.Glu207Lys; replaces glutamic acid 207 with lysine.
Molecular consequence: missense variant. On other transcripts: non-coding transcript variant (1).
Genome position (GRCh38, 1-based): chr3:193,618,877, G>A. VCF-style: chr3-193618877-G-A. GRCh37 (hg19) VCF-style: chr3-193336666-G-A.
Other names: c.85G>A, p.Glu29Lys (NM_001354663.2); c.193G>A, p.Glu65Lys (NM_001354664.2); c.565G>A, p.Glu189Lys (NM_015560.3, NM_130836.3); c.457G>A, p.Glu153Lys (NM_130831.3, NM_130833.3); c.511G>A, p.Glu171Lys (NM_130832.3, NM_130835.3); c.619G>A, p.Glu207Lys (NM_130834.3); c.619G>A (NM_130837.2); short protein forms E189K, E207K, E171K, E153K, E29K, E65K.
Identifiers: ClinVar variation 214890 (VCV000214890.45), dbSNP rs569675223, ClinGen allele CA321786.